The following is an entry in ClinVar:

ClinVar aggregate classification (germline): Uncertain significance. Review status: criteria provided, multiple submitters, no conflicts (2 of 4 stars). 3 submissions from 2 submitters: Uncertain significance (3). Last evaluated 2023-11-28.

Conditions:
Cone dystrophy 4 (COD4). Identifiers: Orphanet 49382, MedGen C2751308, MONDO:0013129, OMIM 613093.
Achromatopsia. Also called: Rod monochromatism. Identifiers: Orphanet 49382, MedGen C0152200, MONDO:0018852, HP:0011516.

Allele frequency attached by ClinVar (database versions not stated): TOPMed 0.00009.
gnomAD v4.1: 12 of 1,605,578 alleles (0.00075%); highest among the groups gnomAD compares: African/African-American, 0.015%; no homozygotes.

Submissions (3):

Labcorp Genetics (formerly Invitae), Labcorp
Classification: Uncertain significance. Last evaluated: 2023-11-28. Review status: criteria provided, single submitter. Criteria: Invitae Variant Classification Sherloc (09022015). Collection method: clinical testing. Allele origin: germline.
Comment: This sequence change replaces proline, which is neutral and non-polar, with glutamine, which is neutral and polar, at codon 335 of the PDE6C protein (p.Pro335Gln). This variant is present in population databases (rs777483878, gnomAD 0.03%). This variant has not been reported in the literature in individuals affected with PDE6C-related conditions. ClinVar contains an entry for this variant (Variation ID: 301629). Algorithms developed to predict the effect of missense changes on protein structure and function output the following: SIFT: "Not Available"; PolyPhen-2: "Possibly Damaging"; Align-GVGD: "Not Available". The glutamine amino acid residue is found in multiple mammalian species, which suggests that this missense change does not adversely affect protein function. In summary, the available evidence is currently insufficient to determine the role of this variant in disease. Therefore, it has been classified as a Variant of Uncertain Significance.

Illumina Laboratory Services, Illumina
Classification: Uncertain significance for Achromatopsia. Last evaluated: 2018-01-13. Review status: criteria provided, single submitter. Criteria: ICSL Variant Classification Criteria 13 December 2019. Collection method: clinical testing. Allele origin: germline.

Illumina Laboratory Services, Illumina
Classification: Uncertain significance for Cone dystrophy 4. Last evaluated: 2018-01-13. Review status: criteria provided, single submitter. Criteria: ICSL Variant Classification Criteria 13 December 2019. Collection method: clinical testing. Allele origin: germline.

NM_006204.4(PDE6C):c.1004C>A (p.Pro335Gln)

Gene: PDE6C (phosphodiesterase 6C; plus strand). Cytogenetic location: 10q23.33.
Variant type: single nucleotide variant.
Coding change: c.1004C>A on transcript NM_006204.4 (MANE Select); coding-DNA position 1004, C replaced by A.
Protein change: p.Pro335Gln; replaces proline 335 with glutamine.
Molecular consequence: missense variant.
Genome position (GRCh38, 1-based): chr10:93,626,704, C>A. VCF-style: chr10-93626704-C-A. GRCh37 (hg19) VCF-style: chr10-95386461-C-A.
Other names: short protein forms P335Q.
Identifiers: ClinVar variation 301629 (VCV000301629.14), dbSNP rs777483878, ClinGen allele CA5610005.